The following is an entry in ClinVar:

ClinVar aggregate classification (germline): Uncertain significance (1 of 4 stars; one submission).

Conditions:
PDE3A-related disorder. Also called: PDE3A-related condition.

Submission:

PreventionGenetics, part of Exact Sciences
Classification: Uncertain significance for PDE3A-related condition. Last evaluated: 2023-03-02. Review status: criteria provided, single submitter. Criteria: ACMG Guidelines, 2015. Collection method: clinical testing. Allele origin: germline.
Comment: The PDE3A c.3025G>T variant is predicted to result in the amino acid substitution p.Val1009Leu. To our knowledge, this variant has not been reported in the literature or in a large population database, indicating this variant is rare. At this time, the clinical significance of this variant is uncertain due to the absence of conclusive functional and genetic evidence.

NM_000921.5(PDE3A):c.3025G>T (p.Val1009Leu)

Gene: PDE3A (phosphodiesterase 3A; plus strand). Cytogenetic location: 12p12.2.
Variant type: single nucleotide variant.
Coding change: c.3025G>T on transcript NM_000921.5 (MANE Select); coding-DNA position 3025, G replaced by T.
Protein change: p.Val1009Leu; replaces valine 1009 with leucine.
Molecular consequence: missense variant.
Genome position (GRCh38, 1-based): chr12:20,654,046, G>T. VCF-style: chr12-20654046-G-T. GRCh37 (hg19) VCF-style: chr12-20806980-G-T.
Other names: c.2059G>T, p.Val687Leu (NM_001244683.2, NM_001378409.1); c.2719G>T, p.Val907Leu (NM_001378407.1); c.2062G>T, p.Val688Leu (NM_001378408.1); short protein forms V1009L, V687L, V688L, V907L.
Identifiers: ClinVar variation 2630552 (VCV002630552.1), dbSNP rs2498157925, ClinGen allele CA384087553.